The following is an entry in ClinVar:

NM_001904.4(CTNNB1):c.1272_1273del (p.Leu424_Ser425insTer)

Genes: CTNNB1 (catenin beta 1; plus strand), LOC126806659 (BRD4-independent group 4 enhancer GRCh37_chr3:41274918-41276117; plus strand). Cytogenetic location: 3p22.1.
Variant type: Deletion.
Coding change: c.1272_1273del on transcript NM_001904.4 (MANE Select); coding-DNA positions 1272 to 1273, 2 bases deleted (TT; older notation c.1272_1273delTT).
Protein change: p.Leu424_Ser425insTer.
Molecular consequence: frameshift variant.
Genome position (GRCh38, 1-based): chr3:41,233,615-41,233,616, TT deleted; deleting any 2 consecutive bases within chr3:41,233,614-41,233,616 gives the same sequence; the c. name uses the placement nearest the transcript's 3' end. VCF-style (leftmost placement, unchanged base first): chr3-41233613-CTT-C. GRCh37 (hg19) VCF-style: chr3-41275104-CTT-C.
Other names: c.1272_1273del, p.Leu424_Ser425insTer (NM_001098209.2, NM_001098210.2); c.1251_1252del, p.Leu417_Ser418insTer (NM_001330729.2).
Identifiers: ClinVar variation 1413665 (VCV001413665.6), dbSNP rs2125639190, ClinGen allele CA2573136938.
Genomic context (GRCh38, chr3:41,233,613, plus strand): 5'-ACTCTTGTTCAGCTTCTGGGTTCAGATGATATAAATGTGGTCACCTGTGCAGCTGGAATT[CTT>C]TCTAACCTCACTTGCAATAATTATAAGAACAAGATGATGGTCTGCCAAGTGGGTGGTATA-3'

ClinVar aggregate classification (germline): Pathogenic (1 of 4 stars; one submission).

Submission:

Labcorp Genetics (formerly Invitae), Labcorp
Classification: Pathogenic. Last evaluated: 2021-06-23. Review status: criteria provided, single submitter. Criteria: Invitae Variant Classification Sherloc (09022015). Collection method: clinical testing. Allele origin: germline.
Comment: This sequence change creates a premature translational stop signal (p.Ser425*) in the CTNNB1 gene. It is expected to result in an absent or disrupted protein product. Loss-of-function variants in CTNNB1 are known to be pathogenic (PMID: 23033978, 24614104, 25326669, 26350204, 28575650). This variant is not present in population databases (ExAC no frequency). This variant has not been reported in the literature in individuals affected with CTNNB1-related conditions. For these reasons, this variant has been classified as Pathogenic.

Literature cited by the submitters: PubMed 23033978; PubMed 24614104; PubMed 25326669; PubMed 26350204; PubMed 28575650.